The following is an entry in ClinVar:

ClinVar aggregate classification (germline): Likely pathogenic (1 of 4 stars; one submission).

Conditions:
VPS13A-related neurodegenerative disease. Also called: LEVINE-CRITCHLEY SYNDROME; Choreoacanthocytosis; Chorea-acanthocytosis; ACANTHOCYTOSIS WITH NEUROLOGIC DISORDER; VPS13A Disease; Choreaacanthocytosis. Identifiers: Orphanet 2388, MedGen C0393576, MONDO:0008695, OMIM 200150.

Submission:

Natera, Inc.
Classification: Likely pathogenic for Choreaacanthocytosis. Last evaluated: 2024-04-30. Review status: criteria provided, single submitter. Criteria: Natera Variant Classification Schema (03/2026). Collection method: clinical testing. Allele origin: germline.
Comment: The c.6775-2A>C variant in VPS13A is a canonical splice acceptor site variant predicted to affect pre-mRNA splicing, which may result in an abnormal transcript and altered protein product. This variant may result in a truncated or dysfunctional protein product. This variant is rare in the general population with a frequency below the threshold expected for the associated phenotype(s). This variant has been observed in one or more individuals affected with the associated recessive disease, as either homozygous or compound heterozygous with a second variant (PMID: 11381253). Given the available evidence, this variant is classified as Likely Pathogenic.

Literature cited by the submitters: PubMed 11381253.

NM_033305.3(VPS13A):c.6775-2A>C

Gene: VPS13A (vacuolar protein sorting 13 homolog A; plus strand). Cytogenetic location: 9q21.2.
Variant type: single nucleotide variant.
Coding change: c.6775-2A>C on transcript NM_033305.3 (MANE Select); the canonical splice acceptor site of the intron before coding-DNA position 6775, A replaced by C.
Molecular consequence: splice acceptor variant.
Genome position (GRCh38, 1-based): chr9:77,340,176, A>C. VCF-style: chr9-77340176-A-C. GRCh37 (hg19) VCF-style: chr9-79955092-A-C.
Other names: c.6658-2A>C (NM_001018037.2); c.6775-2A>C (NM_015186.4, NM_001018038.3).
Identifiers: ClinVar variation 4816416 (VCV004816416.1).